The following is an entry in ClinVar:

ClinVar aggregate classification (germline): Conflicting classifications of pathogenicity. Review status: criteria provided, conflicting classifications (1 of 4 stars). 6 submissions from 6 submitters: Uncertain significance (1); Likely benign (5). Last evaluated 2026-04-01.

Conditions:
MYPN-related disorder. Also called: MYPN-related condition.
Dilated cardiomyopathy 1KK (CMD1KK). Identifiers: Orphanet 154, Orphanet 75249, MedGen C3714995, MONDO:0014100, OMIM 615248.
Cardiovascular phenotype. Identifiers: MedGen CN230736.

Allele frequency attached by ClinVar (database versions not stated): gnomAD 0.00001; TOPMed 0.00004; ExAC 0.00007; ESP Exome Variant Server 0.00008; 1000 Genomes Project 30x 0.00016; 1000 Genomes Project 0.00020.
gnomAD v4.1: 51 of 1,614,082 alleles (0.0032%); highest among the groups gnomAD compares: Middle Eastern, 0.016%; no homozygotes.

Submissions (6):

CeGaT Center for Human Genetics Tuebingen
Classification: Likely benign. Last evaluated: 2026-04-01. Review status: criteria provided, single submitter. Criteria: CeGaT Center For Human Genetics Tuebingen Variant Classification Criteria Version 2. Collection method: clinical testing. Allele origin: germline. Affected: yes. Observed: 2 variant alleles.
Comment: MYPN: BP4, BP7

Labcorp Genetics (formerly Invitae), Labcorp
Classification: Likely benign for Dilated cardiomyopathy 1KK. Last evaluated: 2025-11-03. Review status: criteria provided, single submitter. Criteria: Invitae Variant Classification Sherloc (09022015). Collection method: clinical testing. Allele origin: germline.

PreventionGenetics, part of Exact Sciences
Classification: Likely benign for MYPN-related condition. Last evaluated: 2025-09-16. Review status: criteria provided, single submitter. Criteria: ACMG Guidelines, 2015. Collection method: clinical testing. Allele origin: germline.
Comment: This variant is classified as likely benign based on ACMG/AMP sequence variant interpretation guidelines (Richards et al. 2015 PMID: 25741868, with internal and published modifications).

Blueprint Genetics
Classification: Likely benign. Last evaluated: 2023-09-07. Review status: criteria provided, single submitter. Criteria: ACMG Guidelines, 2015. Collection method: clinical testing. Allele origin: germline.

Ambry Genetics
Classification: Likely benign for Cardiovascular phenotype. Last evaluated: 2019-08-28. Review status: criteria provided, single submitter. Criteria: Ambry Variant Classification Scheme 2023. Collection method: clinical testing. Allele origin: germline.

Breakthrough Genomics
Classification: Uncertain significance. Review status: criteria provided, single submitter. Criteria: ACMG Guidelines, 2015. Collection method: not provided. Allele origin: germline. Inheritance: Autosomal recessive inheritance. Affected: yes.

NM_032578.4(MYPN):c.987G>A (p.Ala329=)

Gene: MYPN (myopalladin; plus strand). Cytogenetic location: 10q21.3.
Variant type: single nucleotide variant.
Coding change: c.987G>A on transcript NM_032578.4 (MANE Select); coding-DNA position 987, G replaced by A.
Protein change: p.Ala329=; no amino-acid change (alanine 329 retained).
Molecular consequence: synonymous variant. On other transcripts: non-coding transcript variant (2).
Genome position (GRCh38, 1-based): chr10:68,143,024, G>A. VCF-style: chr10-68143024-G-A. GRCh37 (hg19) VCF-style: chr10-69902781-G-A.
Other names: c.987G>A, p.Ala329= (NM_001256267.2); c.105G>A, p.Ala35= (NM_001256268.2); c.987G>A (NM_032578.3).
Identifiers: ClinVar variation 1060811 (VCV001060811.35), dbSNP rs199931312, ClinGen allele CA5522392.